The following is an entry in ClinVar:

NM_015512.5(DNAH1):c.2335G>A (p.Val779Met)

Gene: DNAH1 (dynein axonemal heavy chain 1; plus strand). Cytogenetic location: 3p21.1.
Variant type: single nucleotide variant.
Coding change: c.2335G>A on transcript NM_015512.5 (MANE Select); coding-DNA position 2335, G replaced by A.
Protein change: p.Val779Met; replaces valine 779 with methionine.
Molecular consequence: missense variant.
Genome position (GRCh38, 1-based): chr3:52,349,229, G>A. VCF-style: chr3-52349229-G-A. GRCh37 (hg19) VCF-style: chr3-52383245-G-A.
Other names: short protein forms V779M.
Identifiers: ClinVar variation 478427 (VCV000478427.3), dbSNP rs776836168, ClinGen allele CA2433229.

ClinVar aggregate classification (germline): Uncertain significance (1 of 4 stars; one submission).

Conditions:
Spermatogenic failure 18. Identifiers: MedGen C4539783, MONDO:0054615, OMIM 617576.
Ciliary dyskinesia, primary, 37 (CILD37). Also called: CILIARY DYSKINESIA, PRIMARY, 37, WITH OR WITHOUT SITUS INVERSUS. Identifiers: MedGen C4539798, MONDO:0033204, OMIM 617577.

Allele frequency attached by ClinVar (database versions not stated): ExAC 0.00001; TOPMed 0.00001.
gnomAD v4.1: 5 of 1,613,878 alleles (0.00031%); highest among the groups gnomAD compares: Non-Finnish European, 0.00025%; no homozygotes.

Submission:

Labcorp Genetics (formerly Invitae), Labcorp
Classification: Uncertain significance for Ciliary dyskinesia, primary, 37; Spermatogenic failure 18. Last evaluated: 2025-10-04. Review status: criteria provided, single submitter. Criteria: Invitae Variant Classification Sherloc (09022015). Collection method: clinical testing. Allele origin: germline.
Comment: This sequence change replaces valine, which is neutral and non-polar, with methionine, which is neutral and non-polar, at codon 779 of the DNAH1 protein (p.Val779Met). This variant is not present in population databases (gnomAD no frequency). This variant has not been reported in the literature in individuals affected with DNAH1-related conditions. ClinVar contains an entry for this variant (Variation ID: 478427). Invitae Evidence Modeling of protein sequence and biophysical properties (such as structural, functional, and spatial information, amino acid conservation, physicochemical variation, residue mobility, and thermodynamic stability) has been performed for this missense variant. However, the output from this modeling did not meet the statistical confidence thresholds required to predict the impact of this variant on DNAH1 protein function. In summary, the available evidence is currently insufficient to determine the role of this variant in disease. Therefore, it has been classified as a Variant of Uncertain Significance.